The following is an entry in ClinVar:

NM_138813.4(ATP8B3):c.2190+18G>A

Gene: ATP8B3 (ATPase phospholipid transporting 8B3; minus strand). Cytogenetic location: 19p13.3.
Variant type: single nucleotide variant.
Coding change: c.2190+18G>A on transcript NM_138813.4 (MANE Select); 18 bases into the intron after coding-DNA position 2190, G replaced by A.
Molecular consequence: intron variant. On other transcripts: synonymous variant (1), non-coding transcript variant (1).
Genome position (GRCh38, 1-based): chr19:1,791,983, C>T on the plus strand (G>A on the coding strand, the complement: ATP8B3 is on the minus strand). VCF-style: chr19-1791983-C-T. GRCh37 (hg19) VCF-style: chr19-1791982-C-T.
Other names: c.2067G>A, p.Glu689= (NM_001178002.3).
Identifiers: ClinVar variation 2648946 (VCV002648946.24), dbSNP rs533220772, ClinGen allele CA9051411.

ClinVar aggregate classification (germline): Likely benign (1 of 4 stars; one submission).

Allele frequency attached by ClinVar (database versions not stated): gnomAD 0.00005; TOPMed 0.00005; gnomAD exomes 0.00006; ExAC 0.00010; 1000 Genomes Project 0.00020; 1000 Genomes Project 30x 0.00031.
gnomAD v4.1: 94 of 1,504,724 alleles (0.0062%); highest among the groups gnomAD compares: Middle Eastern, 0.017%; no homozygotes.

Submission:

CeGaT Center for Human Genetics Tuebingen
Classification: Likely benign. Last evaluated: 2022-10-01. Review status: criteria provided, single submitter. Criteria: CeGaT Center For Human Genetics Tuebingen Variant Classification Criteria Version 2. Collection method: clinical testing. Allele origin: germline. Affected: yes. Observed: 1 variant allele.
Comment: ATP8B3: BP4, BP7